The following is an entry in ClinVar:

ClinVar aggregate classification (germline): Likely benign. Review status: criteria provided, multiple submitters, no conflicts (2 of 4 stars). 2 submissions from 2 submitters: Likely benign (2). Last evaluated 2022-11-28.

Conditions:
Arrhythmogenic right ventricular dysplasia 9 (ARVD9). Also called: Arrhythmogenic Right Ventricular Dysplasia/Cardiomyopathy 9; ARRHYTHMOGENIC RIGHT VENTRICULAR DYSPLASIA, FAMILIAL, 9. Identifiers: MedGen C1836906, MONDO:0012180, OMIM 609040.

Allele frequency attached by ClinVar (database versions not stated): gnomAD exomes below 0.00001 and 0.00001; TOPMed below 0.00001; ExAC 0.00001.
gnomAD v4.1: 4 of 1,433,458 alleles (0.00028%); highest among the groups gnomAD compares: Admixed American, 0.0067%; no homozygotes.

Submissions (2):

Labcorp Genetics (formerly Invitae), Labcorp
Classification: Likely benign for Arrhythmogenic right ventricular dysplasia 9. Last evaluated: 2022-11-28. Review status: criteria provided, single submitter. Criteria: Invitae Variant Classification Sherloc (09022015). Collection method: clinical testing. Allele origin: germline.

GeneDx
Classification: Likely benign. Last evaluated: 2017-11-27. Review status: criteria provided, single submitter. Criteria: GeneDx Variant Classification (06012015). Collection method: clinical testing. Allele origin: germline. Affected: yes.
Comment: This variant is considered likely benign or benign based on one or more of the following criteria: it is a conservative change, it occurs at a poorly conserved position in the protein, it is predicted to be benign by multiple in silico algorithms, and/or has population frequency not consistent with disease.

NM_001005242.3(PKP2):c.1674+13A>C

Gene: PKP2 (plakophilin 2; minus strand). Cytogenetic location: 12p11.21.
Variant type: single nucleotide variant.
Coding change: c.1674+13A>C on transcript NM_001005242.3 (MANE Select); 13 bases into the intron after coding-DNA position 1674, A replaced by C.
Molecular consequence: intron variant.
Genome position (GRCh38, 1-based): chr12:32,824,032, T>G on the plus strand (A>C on the coding strand, the complement: PKP2 is on the minus strand). VCF-style: chr12-32824032-T-G. GRCh37 (hg19) VCF-style: chr12-32976966-T-G.
Other names: c.1806+13A>C (NM_004572.4).
Identifiers: ClinVar variation 513572 (VCV000513572.4), dbSNP rs768698663, ClinGen allele CA030733.
Genomic context (GRCh38, chr12:32,824,032, plus strand): 5'-ACCAAGCGGCTATCTTAAGAATATTCTGAAGCATCTTAGTAAGACAAAACAGGATATTTA[T>G]CTCTTGAATTACCTTGTCATCTGGCTGGTAATCTGCAATGGTTCCTCTGACATAATGGAC-3'